The following is an entry in ClinVar:

NM_001354604.2(MITF):c.639C>A (p.Asn213Lys)

Gene: MITF (melanocyte inducing transcription factor; plus strand). Cytogenetic location: 3p13.
Variant type: single nucleotide variant.
Coding change: c.639C>A on transcript NM_001354604.2 (MANE Select); coding-DNA position 639, C replaced by A.
Protein change: p.Asn213Lys; replaces asparagine 213 with lysine.
Molecular consequence: missense variant.
Genome position (GRCh38, 1-based): chr3:69,939,154, C>A. VCF-style: chr3-69939154-C-A. GRCh37 (hg19) VCF-style: chr3-69988305-C-A.
Other names: c.318C>A, p.Asn106Lys (NM_000248.4, NM_198158.3); c.483C>A, p.Asn161Lys (NM_001184967.2, NM_001354608.2); c.636C>A, p.Asn212Lys (NM_001354605.2, NM_001354606.2, NM_006722.3); c.588C>A, p.Asn196Lys (NM_001354607.2); c.639C>A, p.Asn213Lys (NM_198159.3); c.591C>A, p.Asn197Lys (NM_198177.3); c.150C>A, p.Asn50Lys (NM_198178.3); short protein forms N106K, N161K, N196K, N197K, N212K, N213K, N50K.
Identifiers: ClinVar variation 3756179 (VCV003756179.2).

ClinVar aggregate classification (germline): Uncertain significance (1 of 4 stars; one submission).

Conditions:
Tietz syndrome (TADS). Also called: HYPOPIGMENTATION/DEAFNESS OF TIETZ; TIETZ ALBINISM-DEAFNESS SYNDROME; ALBINISM-DEAFNESS OF TIETZ. Identifiers: Orphanet 42665, MedGen C0391816, MONDO:0007077, OMIM 103500.
Waardenburg syndrome type 2A (WS2A). Also called: WAARDENBURG SYNDROME WITHOUT DYSTOPIA CANTHORUM. Identifiers: Orphanet 3440, MedGen C1860339, MONDO:0008671, OMIM 193510.
Melanoma, cutaneous malignant, susceptibility to, 8. Also called: MELANOMA AND RENAL CELL CARCINOMA, SUSCEPTIBILITY TO; Cutaneous malignant melanoma 8. Identifiers: Orphanet 293822, MedGen C3152204, MONDO:0013759, OMIM 614456.

Submission:

Labcorp Genetics (formerly Invitae), Labcorp
Classification: Uncertain significance for Melanoma, cutaneous malignant, susceptibility to, 8; Waardenburg syndrome type 2A; Tietz syndrome. Last evaluated: 2024-05-04. Review status: criteria provided, single submitter. Criteria: Invitae Variant Classification Sherloc (09022015). Collection method: clinical testing. Allele origin: germline.
Comment: This sequence change replaces asparagine, which is neutral and polar, with lysine, which is basic and polar, at codon 106 of the MITF protein (p.Asn106Lys). This variant is not present in population databases (gnomAD no frequency). This variant has not been reported in the literature in individuals affected with MITF-related conditions. An algorithm developed to predict the effect of missense changes on protein structure and function (PolyPhen-2) suggests that this variant is likely to be tolerated. In summary, the available evidence is currently insufficient to determine the role of this variant in disease. Therefore, it has been classified as a Variant of Uncertain Significance.